The following is an entry in ClinVar:

NM_020686.6(ABAT):c.330C>T (p.Pro110=)

Gene: ABAT (4-aminobutyrate aminotransferase; plus strand). Cytogenetic location: 16p13.2.
Variant type: single nucleotide variant.
Coding change: c.330C>T on transcript NM_020686.6 (MANE Select); coding-DNA position 330, C replaced by T.
Protein change: p.Pro110=; no amino-acid change (proline 110 retained).
Molecular consequence: synonymous variant.
Genome position (GRCh38, 1-based): chr16:8,757,770, C>T. VCF-style: chr16-8757770-C-T. GRCh37 (hg19) VCF-style: chr16-8851627-C-T.
Other names: c.330C>T, p.Pro110= (NM_000663.5, NM_001127448.2, NM_001386600.1 and 10 more transcripts); c.195C>T, p.Pro65= (NM_001386610.1, NM_001386611.1, NM_001386612.1 and 1 more transcripts); c.84C>T, p.Pro28= (NM_001386614.1); c.426C>T, p.Pro142= (NM_001386615.1).
Identifiers: ClinVar variation 733065 (VCV000733065.15), dbSNP rs142857998, ClinGen allele CA7893073.
Genomic context (GRCh38, chr16:8,757,770, plus strand): 5'-AACCCTTGGATGCAATGAGGTCTCTAACAATACTCTCCTGCCCTCAGGTTACAGCCACCC[C>T]GCCCTGCTGAAACTCATCCAACAGCCTCAAAATGCGGTAGGTCTTGGGGTTACACAGAAG-3'
Protein context (NP_065737.2, residues 100-120): ISSVPIGYSH[Pro110=]ALLKLIQQPQ

ClinVar aggregate classification (germline): Likely benign. Review status: criteria provided, multiple submitters, no conflicts (2 of 4 stars). 2 submissions from 2 submitters: Likely benign (2). Last evaluated 2026-02-01.

Conditions:
Gamma-aminobutyric acid transaminase deficiency (GABATD). Also called: GABA aminotransaminase deficiency; GABA transaminase deficiency; Gamma aminobutyrate transaminase deficiency; 4 alpha aminobutyrate transaminase deficiency. Identifiers: Orphanet 2066, MedGen C0342708, MONDO:0013166, OMIM 613163.

Allele frequency attached by ClinVar (database versions not stated): TOPMed 0.00004; gnomAD exomes 0.00005; gnomAD 0.00006 and 0.00007; ExAC 0.00007; ESP Exome Variant Server 0.00015.
gnomAD v4.1: 83 of 1,613,922 alleles (0.0051%); highest among the groups gnomAD compares: Non-Finnish European, 0.0045%; no homozygotes.

Submissions (2):

CeGaT Center for Human Genetics Tuebingen
Classification: Likely benign. Last evaluated: 2026-02-01. Review status: criteria provided, single submitter. Criteria: CeGaT Center For Human Genetics Tuebingen Variant Classification Criteria Version 2. Collection method: clinical testing. Allele origin: germline. Affected: yes. Observed: 1 variant allele.
Comment: ABAT: BP4, BP7

Labcorp Genetics (formerly Invitae), Labcorp
Classification: Likely benign for Gamma-aminobutyric acid transaminase deficiency. Last evaluated: 2025-11-15. Review status: criteria provided, single submitter. Criteria: Invitae Variant Classification Sherloc (09022015). Collection method: clinical testing. Allele origin: germline.